The following is an entry in ClinVar:

NM_003079.5(SMARCE1):c.168T>C (p.Gly56=)

Gene: SMARCE1 (SWI/SNF related BAF chromatin remodeling complex subunit E1; minus strand). Cytogenetic location: 17q21.2.
Variant type: single nucleotide variant.
Coding change: c.168T>C on transcript NM_003079.5 (MANE Select); coding-DNA position 168, T replaced by C.
Protein change: p.Gly56=; no amino-acid change (glycine 56 retained).
Molecular consequence: synonymous variant.
Genome position (GRCh38, 1-based): chr17:40,637,561, A>G on the plus strand (T>C on the coding strand, the complement: SMARCE1 is on the minus strand). VCF-style: chr17-40637561-A-G. GRCh37 (hg19) VCF-style: chr17-38793813-A-G.
Identifiers: ClinVar variation 414256 (VCV000414256.41), dbSNP rs773059312, ClinGen allele CA8545293.

ClinVar aggregate classification (germline): Likely benign. Review status: criteria provided, multiple submitters, no conflicts (2 of 4 stars). 4 submissions from 4 submitters: Likely benign (3). 1 of the submissions does not count toward it. Last evaluated 2026-07-01.

Conditions:
Familial meningioma. Also called: Meningioma, familial, susceptibility to. Identifiers: Orphanet 263662, MedGen C3551915, MONDO:0011789, OMIM 607174.
SMARCE1-related disorder. Also called: SMARCE1-related condition.
Hereditary cancer-predisposing syndrome. Also called: Hereditary neoplastic syndrome; Neoplastic Syndromes, Hereditary; Hereditary Cancer Syndrome; Tumor predisposition. Identifiers: Orphanet 140162, MedGen C0027672, MeSH D009386, MONDO:0015356.

Allele frequency attached by ClinVar (database versions not stated): gnomAD exomes 0.00001; ExAC 0.00002; gnomAD 0.00003; TOPMed 0.00003.
gnomAD v4.1: 15 of 1,613,026 alleles (0.00093%); highest among the groups gnomAD compares: Non-Finnish European, 0.0013%; no homozygotes.

Submissions (4):

CeGaT Center for Human Genetics Tuebingen
Classification: Likely benign. Last evaluated: 2026-07-01. Review status: criteria provided, single submitter. Criteria: CeGaT Center For Human Genetics Tuebingen Variant Classification Criteria Version 2. Collection method: clinical testing. Allele origin: germline. Affected: yes. Observed: 3 variant alleles.
Comment: SMARCE1: BP4, BP7

Labcorp Genetics (formerly Invitae), Labcorp
Classification: Likely benign for Familial meningioma. Last evaluated: 2026-01-18. Review status: criteria provided, single submitter. Criteria: Invitae Variant Classification Sherloc (09022015). Collection method: clinical testing. Allele origin: germline.

Ambry Genetics
Classification: Likely benign for Hereditary cancer-predisposing syndrome. Last evaluated: 2018-01-02. Review status: criteria provided, single submitter. Criteria: Ambry Variant Classification Scheme 2023. Collection method: clinical testing. Allele origin: germline.

PreventionGenetics, part of Exact Sciences
Classification: Likely benign for SMARCE1-related condition. Last evaluated: 2022-03-02. Review status: no assertion criteria provided. Collection method: clinical testing. Allele origin: germline. Not counted in ClinVar's aggregate classification.
Comment: This variant is classified as likely benign based on ACMG/AMP sequence variant interpretation guidelines (Richards et al. 2015 PMID: 25741868, with internal and published modifications).